The following is an entry in ClinVar:

ClinVar aggregate classification (germline): Likely benign. Review status: criteria provided, single submitter (1 of 4 stars). 2 submissions from 2 submitters: Likely benign (1). 1 of the submissions does not count toward it. Last evaluated 2022-08-29.

Conditions:
PALLD-related disorder. Also called: PALLD-related condition.

Allele frequency attached by ClinVar (database versions not stated): TOPMed below 0.00001.
gnomAD v4.1: 3 of 1,613,996 alleles (0.00019%); no homozygotes.

Submissions (2):

Ambry Genetics
Classification: Likely benign. Last evaluated: 2022-08-29. Review status: criteria provided, single submitter. Criteria: Ambry Variant Classification Scheme 2023. Collection method: clinical testing. Allele origin: germline.

PreventionGenetics, part of Exact Sciences
Classification: Likely benign for PALLD-related condition. Last evaluated: 2022-06-27. Review status: no assertion criteria provided. Collection method: clinical testing. Allele origin: germline. Not counted in ClinVar's aggregate classification.
Comment: This variant is classified as likely benign based on ACMG/AMP sequence variant interpretation guidelines (Richards et al. 2015 PMID: 25741868, with internal and published modifications).

NM_001166108.2(PALLD):c.1686T>C (p.Phe562=)

Gene: PALLD (palladin, cytoskeletal associated protein; plus strand). Cytogenetic location: 4q32.3.
Variant type: single nucleotide variant.
Coding change: c.1686T>C on transcript NM_001166108.2 (MANE Select); coding-DNA position 1686, T replaced by C.
Protein change: p.Phe562=; no amino-acid change (phenylalanine 562 retained).
Molecular consequence: synonymous variant.
Genome position (GRCh38, 1-based): chr4:168,711,645, T>C. VCF-style: chr4-168711645-T-C. GRCh37 (hg19) VCF-style: chr4-169632796-T-C.
Other names: c.540T>C, p.Phe180= (NM_001166109.2); c.1686T>C, p.Phe562= (NM_016081.4).
Identifiers: ClinVar variation 1778025 (VCV001778025.4), dbSNP rs1784848604, ClinGen allele CA442114118.